The following is an entry in ClinVar:

ClinVar aggregate classification (germline): Uncertain significance (1 of 4 stars; one submission).

Allele frequency attached by ClinVar (database versions not stated): gnomAD 0.00001; TOPMed 0.00003; ESP Exome Variant Server 0.00008.
gnomAD v4.1: 3 of 1,613,812 alleles (0.00019%); highest among the groups gnomAD compares: African/African-American, 0.0027%; no homozygotes.

Submission:

Labcorp Genetics (formerly Invitae), Labcorp
Classification: Uncertain significance. Last evaluated: 2022-02-09. Review status: criteria provided, single submitter. Criteria: Invitae Variant Classification Sherloc (09022015). Collection method: clinical testing. Allele origin: germline.
Comment: This sequence change replaces proline, which is neutral and non-polar, with serine, which is neutral and polar, at codon 1262 of the HSPG2 protein (p.Pro1262Ser). This variant is present in population databases (rs143321920, gnomAD 0.007%). This variant has not been reported in the literature in individuals affected with HSPG2-related conditions. Algorithms developed to predict the effect of missense changes on protein structure and function (SIFT, PolyPhen-2, Align-GVGD) all suggest that this variant is likely to be tolerated. In summary, the available evidence is currently insufficient to determine the role of this variant in disease. Therefore, it has been classified as a Variant of Uncertain Significance.

NM_005529.7(HSPG2):c.3784C>T (p.Pro1262Ser)

Gene: HSPG2 (heparan sulfate proteoglycan 2; minus strand). Cytogenetic location: 1p36.12.
Variant type: single nucleotide variant.
Coding change: c.3784C>T on transcript NM_005529.7 (MANE Select); coding-DNA position 3784, C replaced by T.
Protein change: p.Pro1262Ser; replaces proline 1262 with serine.
Molecular consequence: missense variant.
Genome position (GRCh38, 1-based): chr1:21,873,384, G>A on the plus strand (C>T on the coding strand, the complement: HSPG2 is on the minus strand). VCF-style: chr1-21873384-G-A. GRCh37 (hg19) VCF-style: chr1-22199877-G-A.
Other names: c.3787C>T, p.Pro1263Ser (NM_001291860.2); short protein forms P1262S, P1263S.
Identifiers: ClinVar variation 1465166 (VCV001465166.8), dbSNP rs143321920, ClinGen allele CA19144729.